The following is an entry in ClinVar:

NM_003384.3(VRK1):c.82A>G (p.Ile28Val)

Gene: VRK1 (VRK serine/threonine kinase 1; plus strand). Cytogenetic location: 14q32.2.
Variant type: single nucleotide variant.
Coding change: c.82A>G on transcript NM_003384.3 (MANE Select); coding-DNA position 82, A replaced by G.
Protein change: p.Ile28Val; replaces isoleucine 28 with valine.
Molecular consequence: missense variant.
Genome position (GRCh38, 1-based): chr14:96,833,553, A>G. VCF-style: chr14-96833553-A-G. GRCh37 (hg19) VCF-style: chr14-97299890-A-G.
Other names: short protein forms I28V.
Identifiers: ClinVar variation 948996 (VCV000948996.7), dbSNP rs1210199221, ClinGen allele CA390930905.

ClinVar aggregate classification (germline): Uncertain significance (1 of 4 stars; one submission).

Conditions:
Pontocerebellar hypoplasia type 1A (PCH1A). Also called: PONTOCEREBELLAR HYPOPLASIA WITH ANTERIOR HORN CELL DISEASE; PONTOCEREBELLAR HYPOPLASIA WITH INFANTILE SPINAL MUSCULAR ATROPHY. Identifiers: Orphanet 2254, Orphanet 88616, MedGen C1843504, MONDO:0011866, OMIM 607596.

Allele frequency attached by ClinVar (database versions not stated): gnomAD exomes below 0.00001; gnomAD 0.00001; TOPMed 0.00002.
gnomAD v4.1: 8 of 1,613,752 alleles (0.0005%); highest among the groups gnomAD compares: Non-Finnish European, 0.00051%; no homozygotes.

Submission:

Labcorp Genetics (formerly Invitae), Labcorp
Classification: Uncertain significance for Pontocerebellar hypoplasia type 1A. Last evaluated: 2021-08-31. Review status: criteria provided, single submitter. Criteria: Invitae Variant Classification Sherloc (09022015). Collection method: clinical testing. Allele origin: germline.
Comment: This sequence change replaces isoleucine with valine at codon 28 of the VRK1 protein (p.Ile28Val). The isoleucine residue is weakly conserved and there is a small physicochemical difference between isoleucine and valine. This variant is not present in population databases (ExAC no frequency). This variant has not been reported in the literature in individuals affected with VRK1-related conditions. Algorithms developed to predict the effect of missense changes on protein structure and function output the following: SIFT: "Tolerated"; PolyPhen-2: "Benign"; Align-GVGD: "Class C0". The valine amino acid residue is found in multiple mammalian species, which suggests that this missense change does not adversely affect protein function. Algorithms developed to predict the effect of sequence changes on RNA splicing suggest that this variant may create or strengthen a splice site. In summary, the available evidence is currently insufficient to determine the role of this variant in disease. Therefore, it has been classified as a Variant of Uncertain Significance.